The following is an entry in ClinVar:

NM_144988.4(ALG14):c.451C>T (p.Pro151Ser)

Gene: ALG14 (ALG14 UDP-N-acetylglucosaminyltransferase subunit; minus strand). Cytogenetic location: 1p21.3.
Variant type: single nucleotide variant.
Coding change: c.451C>T on transcript NM_144988.4 (MANE Select); coding-DNA position 451, C replaced by T.
Protein change: p.Pro151Ser; replaces proline 151 with serine.
Molecular consequence: missense variant. On other transcripts: 3 prime UTR variant (1), non-coding transcript variant (1).
Genome position (GRCh38, 1-based): chr1:94,983,276, G>A on the plus strand (C>T on the coding strand, the complement: ALG14 is on the minus strand). VCF-style: chr1-94983276-G-A. GRCh37 (hg19) VCF-style: chr1-95448832-G-A.
Other names: c.*20C>T (NM_001305242.2); short protein forms P151S.
Identifiers: ClinVar variation 1513682 (VCV001513682.3), dbSNP rs2100709244, ClinGen allele CA341364667.

ClinVar aggregate classification (germline): Uncertain significance (1 of 4 stars; one submission).

Conditions:
Congenital myasthenic syndrome 15. Also called: Myasthenic syndrome, congenital, 15, without tubular aggregates. Identifiers: Orphanet 353327, Orphanet 590, MedGen C4015596, MONDO:0014542, OMIM 616227.

Submission:

Labcorp Genetics (formerly Invitae), Labcorp
Classification: Uncertain significance for Congenital myasthenic syndrome 15. Last evaluated: 2022-06-14. Review status: criteria provided, single submitter. Criteria: Invitae Variant Classification Sherloc (09022015). Collection method: clinical testing. Allele origin: germline.
Comment: This sequence change replaces proline, which is neutral and non-polar, with serine, which is neutral and polar, at codon 151 of the ALG14 protein (p.Pro151Ser). This variant is not present in population databases (gnomAD no frequency). This variant has not been reported in the literature in individuals affected with ALG14-related conditions. Algorithms developed to predict the effect of missense changes on protein structure and function are either unavailable or do not agree on the potential impact of this missense change (SIFT: "Deleterious"; PolyPhen-2: "Probably Damaging"; Align-GVGD: "Class C0"). In summary, the available evidence is currently insufficient to determine the role of this variant in disease. Therefore, it has been classified as a Variant of Uncertain Significance.